The following is an entry in ClinVar:

NM_001384732.1(CPLANE1):c.4497C>G (p.His1499Gln)

Gene: CPLANE1 (ciliogenesis and planar polarity effector complex subunit 1; minus strand). Cytogenetic location: 5p13.2.
Variant type: single nucleotide variant.
Coding change: c.4497C>G on transcript NM_001384732.1 (MANE Select); coding-DNA position 4497, C replaced by G.
Protein change: p.His1499Gln; replaces histidine 1499 with glutamine.
Molecular consequence: missense variant.
Genome position (GRCh38, 1-based): chr5:37,183,684, G>C on the plus strand (C>G on the coding strand, the complement: CPLANE1 is on the minus strand). VCF-style: chr5-37183684-G-C. GRCh37 (hg19) VCF-style: chr5-37183786-G-C.
Other names: c.4497C>G, p.His1499Gln (NM_023073.4); short protein forms H1499Q.
Identifiers: ClinVar variation 2726113 (VCV002726113.3), dbSNP rs377114029, ClinGen allele CA3238681.
Genomic context (GRCh38, chr5:37,183,684, plus strand): 5'-TTCTTTCTGATTACACATTTTCCTTTTATCAGTTGGCTTATGAATTGATGTTAATTCCAT[G>C]TGATTTGGGGCATTTCTATAGCAAAAAAATAAAATAAGACAAAATTAGAGATCATTTAAT-3'
Protein context (NP_001371661.1, residues 1489-1509): INIYQRNAPN[His1499Gln]MELTSIHKPT

ClinVar aggregate classification (germline): Uncertain significance. Review status: criteria provided, multiple submitters, no conflicts (2 of 4 stars). 2 submissions from 2 submitters: Uncertain significance (2). Last evaluated 2023-07-17.

Allele frequency attached by ClinVar (database versions not stated): TOPMed 0.00002; gnomAD 0.00003; ExAC 0.00004; ESP Exome Variant Server 0.00008.
gnomAD v4.1: 117 of 1,576,908 alleles (0.0074%); highest among the groups gnomAD compares: Non-Finnish European, 0.0097%; no homozygotes.

Submissions (2):

Labcorp Genetics (formerly Invitae), Labcorp
Classification: Uncertain significance. Last evaluated: 2023-07-17. Review status: criteria provided, single submitter. Criteria: Invitae Variant Classification Sherloc (09022015). Collection method: clinical testing. Allele origin: germline.
Comment: In summary, the available evidence is currently insufficient to determine the role of this variant in disease. Therefore, it has been classified as a Variant of Uncertain Significance. Advanced modeling of protein sequence and biophysical properties (such as structural, functional, and spatial information, amino acid conservation, physicochemical variation, residue mobility, and thermodynamic stability) performed at Invitae indicates that this missense variant is not expected to disrupt CPLANE1 protein function. This variant has not been reported in the literature in individuals affected with CPLANE1-related conditions. This variant is present in population databases (rs377114029, gnomAD 0.005%). This sequence change replaces histidine, which is basic and polar, with glutamine, which is neutral and polar, at codon 1499 of the CPLANE1 protein (p.His1499Gln).

Blueprint Genetics
Classification: Uncertain significance. Last evaluated: 2022-08-30. Review status: criteria provided, single submitter. Criteria: ACMG Guidelines, 2015. Collection method: clinical testing. Allele origin: germline.